The following is an entry in ClinVar:

NM_000443.4(ABCB4):c.296_308del (p.Phe98_Ser99insTer)

Gene: ABCB4 (ATP binding cassette subfamily B member 4; minus strand). Cytogenetic location: 7q21.12.
Variant type: Deletion.
Coding change: c.296_308del on transcript NM_000443.4 (MANE Select); coding-DNA positions 296 to 308, 13 bases deleted (CCTTGTCGCTGCT).
Protein change: p.Phe98_Ser99insTer.
Molecular consequence: nonsense.
Genome position (GRCh38, 1-based): chr7:87,454,571-87,454,583, AGCAGCGACAAGG deleted on the plus strand (CCTTGTCGCTGCT on the coding strand, the reverse complement: ABCB4 is on the minus strand); deleting any 13 consecutive bases within chr7:87,454,571-87,454,584 gives the same sequence; the c. name uses the placement nearest the transcript's 3' end. VCF-style (leftmost placement, unchanged base first): chr7-87454570-TAGCAGCGACAAGG-T. GRCh37 (hg19) VCF-style: chr7-87083886-TAGCAGCGACAAGG-T.
Other names: c.296_308del, p.Phe98_Ser99insTer (NM_018849.3, NM_018850.3).
Identifiers: ClinVar variation 4991985 (VCV004991985.1).

ClinVar aggregate classification (germline): Likely pathogenic (1 of 4 stars; one submission).

Conditions:
ABCB4-related disorder. Also called: ABCB4-related disorders; ABCB4-related condition.

Submission:

PreventionGenetics, part of Exact Sciences
Classification: Likely pathogenic for ABCB4-related condition. Last evaluated: 2026-03-24. Review status: criteria provided, single submitter. Criteria: ACMG Guidelines, 2015. Collection method: clinical testing. Allele origin: germline.
Comment: The ABCB4 c.296_308del13 variant is predicted to result in premature protein termination (p.Ser99*). To our knowledge, this variant has not been reported in the literature or in a large population database (gnomAD), indicating this variant is rare. Nonsense variants in ABCB4 are expected to be pathogenic. This variant is interpreted as likely pathogenic.